The following is an entry in ClinVar:

NM_001042492.3(NF1):c.1722-3C>G

Gene: NF1 (neurofibromin 1; plus strand). Cytogenetic location: 17q11.2.
Variant type: single nucleotide variant.
Coding change: c.1722-3C>G on transcript NM_001042492.3 (MANE Select); 3 bases into the intron before coding-DNA position 1722, C replaced by G.
Molecular consequence: intron variant.
Genome position (GRCh38, 1-based): chr17:31,223,441, C>G. VCF-style: chr17-31223441-C-G. GRCh37 (hg19) VCF-style: chr17-29550459-C-G.
Other names: c.1722-3C>G (NM_000267.3, NM_000267.4).
Identifiers: ClinVar variation 3722595 (VCV003722595.3).
Genomic context (GRCh38, chr17:31,223,441, plus strand): 5'-TCTGGTTATATCTGCATTAGGTTATTGATGATGCTAGTAACAATGAACTTTATGTTACTG[C>G]AGCTCACAAATGCTTTTTTACATCTGCAAGAAATTAACTAGTCATCAAATGCTTAGTAGC-3'

ClinVar aggregate classification (germline): Pathogenic/Likely pathogenic. Review status: criteria provided, multiple submitters, no conflicts (2 of 4 stars). 2 submissions from 2 submitters: Pathogenic (1); Likely pathogenic (1). Last evaluated 2026-05-05.

Conditions:
Neurofibromatosis, type 1 (NF1). Also called: Neurofibromatosis, type I; VON RECKLINGHAUSEN DISEASE; NEUROFIBROMATOSIS, TYPE I, SOMATIC; Peripheral type neurofibromatosis. Identifiers: Orphanet 636, MedGen C0027831, MONDO:0018975, OMIM 162200. Disease mechanism: loss of function.
Cardiovascular phenotype. Identifiers: MedGen CN230736.
Hereditary cancer-predisposing syndrome. Also called: Hereditary Cancer Syndrome; Hereditary neoplastic syndrome; Neoplastic Syndromes, Hereditary; Tumor predisposition. Identifiers: Orphanet 140162, MedGen C0027672, MeSH D009386, MONDO:0015356.

Submissions (2):

Ambry Genetics
Classification: Likely pathogenic for Cardiovascular phenotype; Hereditary cancer-predisposing syndrome. Last evaluated: 2026-05-05. Review status: criteria provided, single submitter. Criteria: Ambry Variant Classification Scheme 2023. Collection method: clinical testing. Allele origin: germline.
Comment: The c.1722-3C>G intronic variant results from a C to G substitution 3 nucleotides upstream from coding exon 16 in the NF1 gene. This variant was reported in individual(s) with features consistent with neurofibromatosis type 1 (Ars E et al. Hum Mol Genet, 2000 Jan;9:237-47). RNA-based analysis showed aberrant out-of-frame intronic sequence insertion, predicted to result in premature termination (Ars E et al. Hum Mol Genet, 2000 Jan;9:237-47). Note, this variant is also referred to as IVS11-3C>G in the literature. Other variant(s) impacting the same acceptor site (c.1722-3C>A) have been identified in individual(s) with features consistent with neurofibromatosis type 1 (Ambry internal data). This nucleotide position is highly conserved in available vertebrate species. In silico splice site analysis predicts that this alteration will weaken the native splice acceptor site and may result in the creation or strengthening of a novel splice acceptor site. This variant is considered to be rare based on population cohorts in the Genome Aggregation Database (gnomAD). Based on the majority of available evidence to date, this variant is likely to be pathogenic.

Labcorp Genetics (formerly Invitae), Labcorp
Classification: Pathogenic for Neurofibromatosis, type 1. Last evaluated: 2024-03-21. Review status: criteria provided, single submitter. Criteria: Invitae Variant Classification Sherloc (09022015). Collection method: clinical testing. Allele origin: germline.
Comment: This sequence change falls in intron 15 of the NF1 gene. It does not directly change the encoded amino acid sequence of the NF1 protein. RNA analysis indicates that this variant induces altered splicing and may result in an absent or disrupted protein product. This variant is not present in population databases (gnomAD no frequency). This variant has been observed in individual(s) with neurofibromatosis type 1 (PMID: 10607834). It has also been observed to segregate with disease in related individuals. This variant is also known as IVS11-3C>G. Variants that disrupt the consensus splice site are a relatively common cause of aberrant splicing (PMID: 17576681, 9536098). Studies have shown that this variant results in activation of a cryptic splice site and introduces a premature termination codon (PMID: 32126153; Invitae). The resulting mRNA is expected to undergo nonsense-mediated decay. For these reasons, this variant has been classified as Pathogenic.

Literature cited by the submitters: PubMed 10607834 (cited by Ambry Genetics and Labcorp Genetics (formerly Invitae), Labcorp); PubMed 17576681 (cited by Labcorp Genetics (formerly Invitae), Labcorp); PubMed 9536098 (cited by Labcorp Genetics (formerly Invitae), Labcorp); PubMed 32126153 (cited by Labcorp Genetics (formerly Invitae), Labcorp).